The following is an entry in ClinVar:

ClinVar aggregate classification (germline): Pathogenic (1 of 4 stars; one submission).

Conditions:
Hereditary cancer-predisposing syndrome. Also called: Neoplastic Syndromes, Hereditary; Tumor predisposition; Hereditary Cancer Syndrome; Hereditary neoplastic syndrome. Identifiers: Orphanet 140162, MedGen C0027672, MeSH D009386, MONDO:0015356.

Submission:

Color Diagnostics, LLC DBA Color Health
Classification: Pathogenic for Hereditary cancer-predisposing syndrome. Last evaluated: 2024-08-27. Review status: criteria provided, single submitter. Criteria: ACMG Guidelines, 2015. Collection method: clinical testing. Allele origin: germline.
Comment: This variant inserts 2 nucleotides in exon 9/15 of the CHEK2 gene, creating a frameshift and premature translation stop signal. This variant is expected to result in an absent or non-functional protein product. To our knowledge, this variant has not been reported in individuals affected with CHEK2-related disorders in the literature. This variant has not been identified in the general population by the Genome Aggregation Database (gnomAD). Loss of CHEK2 function is a known mechanism of disease. Based on the available evidence, this variant is classified as Pathogenic.

NM_007194.4(CHEK2):c.933_934dup (p.Lys312fs)

Gene: CHEK2 (checkpoint kinase 2; minus strand). Cytogenetic location: 22q12.1.
Variant type: Duplication.
Coding change: c.933_934dup on transcript NM_007194.4 (MANE Select); coding-DNA positions 933 to 934, 2 bases duplicated (CA; older notation c.933_934dupCA).
Protein change: p.Lys312fs; shifts the reading frame from lysine 312.
Molecular consequence: frameshift variant.
Genome position (GRCh38, 1-based): chr22:28,699,912-28,699,913, TG duplicated on the plus strand (CA on the coding strand, the reverse complement: CHEK2 is on the minus strand); duplicating any 2 consecutive bases within chr22:28,699,912-28,699,914 gives the same sequence; the c. name uses the placement nearest the transcript's 3' end. VCF-style (leftmost placement, unchanged base first): chr22-28699911-T-TTG. GRCh37 (hg19) VCF-style: chr22-29095899-T-TTG.
Other names: c.1061_1062dup, p.Lys355Thrfs (NM_001005735.3); c.269_270dup, p.Lys91Thrfs (NM_001257387.3); c.731_732dup, p.Lys245Thrfs (NM_001349956.3); c.932_933dup, p.Lys312Thrfs (NM_145862.3); short protein forms K245fs, K312fs, K355fs, K91fs.
Identifiers: ClinVar variation 3894074 (VCV003894074.1).